The following is an entry in ClinVar:

NM_001130965.3(SUN1):c.1995C>T (p.Pro665=)

Gene: SUN1 (Sad1 and UNC84 domain containing 1; plus strand). Cytogenetic location: 7p22.3.
Variant type: single nucleotide variant.
Coding change: c.1995C>T on transcript NM_001130965.3 (MANE Select); coding-DNA position 1995, C replaced by T.
Protein change: p.Pro665=; no amino-acid change (proline 665 retained).
Molecular consequence: synonymous variant. On other transcripts: non-coding transcript variant (2).
Genome position (GRCh38, 1-based): chr7:869,363, C>T. VCF-style: chr7-869363-C-T. GRCh37 (hg19) VCF-style: chr7-909000-C-T.
Other names: c.1686C>T, p.Pro562= (NM_001171944.2); c.1995C>T, p.Pro665= (NM_001367633.1, NM_001367634.1, NM_001367653.1); c.1644C>T, p.Pro548= (NM_001367635.1); c.2235C>T, p.Pro745= (NM_001367636.1, NM_001367691.1); c.2103C>T, p.Pro701= (NM_001367638.1); c.1536C>T, p.Pro512= (NM_001367639.1); c.2175C>T, p.Pro725= (NM_001367640.1); c.2277C>T, p.Pro759= (NM_001367641.1, NM_001367682.1); and 43 more.
Identifiers: ClinVar variation 461645 (VCV000461645.14), dbSNP rs369315584, ClinGen allele CA4112470.

ClinVar aggregate classification (germline): Benign/Likely benign. Review status: criteria provided, multiple submitters, no conflicts (2 of 4 stars). 3 submissions from 3 submitters: Benign (1); Likely benign (1). 1 of the submissions does not count toward it. Last evaluated 2026-01-08.

Conditions:
SUN1-related disorder. Also called: SUN1-related condition.
Emery-Dreifuss muscular dystrophy (EDMD). Also called: Scapuloperoneal syndrome, X-linked (formerly); Humeroperoneal neuromuscular disease, (formerly). Identifiers: Orphanet 261, MedGen C0410189, MONDO:0016830.

Allele frequency attached by ClinVar (database versions not stated): ESP Exome Variant Server 0.00041; gnomAD 0.00051 and 0.00056; gnomAD exomes 0.00058; TOPMed 0.00058; ExAC 0.00059; 1000 Genomes Project 30x 0.00062; 1000 Genomes Project 0.00080.
gnomAD v4.1: 932 of 1,613,556 alleles (0.058%); highest among the groups gnomAD compares: Middle Eastern, 0.74%; 4 homozygotes.

Submissions (3):

Labcorp Genetics (formerly Invitae), Labcorp
Classification: Benign for Emery-Dreifuss muscular dystrophy. Last evaluated: 2026-01-08. Review status: criteria provided, single submitter. Criteria: Invitae Variant Classification Sherloc (09022015). Collection method: clinical testing. Allele origin: germline.

Ambry Genetics
Classification: Likely benign. Last evaluated: 2025-08-04. Review status: criteria provided, single submitter. Criteria: Ambry Variant Classification Scheme 2023. Collection method: clinical testing. Allele origin: germline.

PreventionGenetics, part of Exact Sciences
Classification: Likely benign for SUN1-related condition. Last evaluated: 2019-02-22. Review status: no assertion criteria provided. Collection method: clinical testing. Allele origin: germline. Not counted in ClinVar's aggregate classification.
Comment: This variant is classified as likely benign based on ACMG/AMP sequence variant interpretation guidelines (Richards et al. 2015 PMID: 25741868, with internal and published modifications).